The following is an entry in ClinVar:

NM_022041.4(GAN):c.852-13T>C

Gene: GAN (gigaxonin; plus strand). Cytogenetic location: 16q23.2.
Variant type: single nucleotide variant.
Coding change: c.852-13T>C on transcript NM_022041.4 (MANE Select); 13 bases into the intron before coding-DNA position 852, T replaced by C.
Molecular consequence: intron variant.
Genome position (GRCh38, 1-based): chr16:81,357,797, T>C. VCF-style: chr16-81357797-T-C. GRCh37 (hg19) VCF-style: chr16-81391402-T-C.
Other names: c.213-13T>C (NM_001377486.1).
Identifiers: ClinVar variation 511552 (VCV000511552.5), dbSNP rs758517277, ClinGen allele CA623755674.

ClinVar aggregate classification (germline): Likely benign. Review status: criteria provided, multiple submitters, no conflicts (2 of 4 stars). 2 submissions from 2 submitters: Likely benign (2). Last evaluated 2023-03-19.

Conditions:
Giant axonal neuropathy 1 (GAN1). Also called: GIANT AXONAL NEUROPATHY 1, AUTOSOMAL RECESSIVE; GAN-Related Neurodegeneration. Identifiers: Orphanet 643, MedGen C1850386, MONDO:0009749, OMIM 256850.

Allele frequency attached by ClinVar (database versions not stated): TOPMed 0.00001.

Submissions (2):

Labcorp Genetics (formerly Invitae), Labcorp
Classification: Likely benign for Giant axonal neuropathy 1. Last evaluated: 2023-03-19. Review status: criteria provided, single submitter. Criteria: Invitae Variant Classification Sherloc (09022015). Collection method: clinical testing. Allele origin: germline.

GeneDx
Classification: Likely benign. Last evaluated: 2017-08-23. Review status: criteria provided, single submitter. Criteria: GeneDx Variant Classification (06012015). Collection method: clinical testing. Allele origin: germline. Affected: yes.
Comment: This variant is considered likely benign or benign based on one or more of the following criteria: it is a conservative change, it occurs at a poorly conserved position in the protein, it is predicted to be benign by multiple in silico algorithms, and/or has population frequency not consistent with disease.